The following is an entry in ClinVar:

NM_006767.4(LZTR1):c.2116G>T (p.Val706Leu)

Gene: LZTR1 (leucine zipper like post translational regulator 1; plus strand). Cytogenetic location: 22q11.21.
Variant type: single nucleotide variant.
Coding change: c.2116G>T on transcript NM_006767.4 (MANE Select); coding-DNA position 2116, G replaced by T.
Protein change: p.Val706Leu; replaces valine 706 with leucine.
Molecular consequence: missense variant.
Genome position (GRCh38, 1-based): chr22:20,996,009, G>T. VCF-style: chr22-20996009-G-T. GRCh37 (hg19) VCF-style: chr22-21350298-G-T.
Other names: short protein forms V706L.
Identifiers: ClinVar variation 1786182 (VCV001786182.2), dbSNP rs747431522, ClinGen allele CA410779395.
Genomic context (GRCh38, chr22:20,996,009, plus strand): 5'-CTCGTTGTCTGCAGCTACTTTGAAGCCATGTTCCGGTCCTTCATGCCCGAAGATGGGCAG[G>T]TGAACATCTCCATCGGGGAGATGGTGCCCAGCAGGCAGGCCTTCGAGTCCATGCTGCGCT-3'
Protein context (NP_006758.2, residues 696-716): FRSFMPEDGQ[Val706Leu]NISIGEMVPS

ClinVar aggregate classification (germline): Uncertain significance (1 of 4 stars; one submission).

Conditions:
Hereditary cancer-predisposing syndrome. Also called: Neoplastic Syndromes, Hereditary; Tumor predisposition; Hereditary Cancer Syndrome; Hereditary neoplastic syndrome. Identifiers: Orphanet 140162, MedGen C0027672, MeSH D009386, MONDO:0015356.
Cardiovascular phenotype. Identifiers: MedGen CN230736.

Submission:

Ambry Genetics
Classification: Uncertain significance for Cardiovascular phenotype; Hereditary cancer-predisposing syndrome. Last evaluated: 2022-06-18. Review status: criteria provided, single submitter. Criteria: Ambry Variant Classification Scheme 2023. Collection method: clinical testing. Allele origin: germline.
Comment: The p.V706L variant (also known as c.2116G>T), located in coding exon 18 of the LZTR1 gene, results from a G to T substitution at nucleotide position 2116. The valine at codon 706 is replaced by leucine, an amino acid with highly similar properties. This amino acid position is conserved. In addition, the in silico prediction for this alteration is inconclusive. Since supporting evidence is limited at this time, the clinical significance of this alteration remains unclear.